The following is an entry in ClinVar:

NM_001130987.2(DYSF):c.4079G>A (p.Arg1360Gln)

Gene: DYSF (dysferlin; plus strand). Cytogenetic location: 2p13.2.
Variant type: single nucleotide variant.
Coding change: c.4079G>A on transcript NM_001130987.2 (MANE Select); coding-DNA position 4079, G replaced by A.
Protein change: p.Arg1360Gln; replaces arginine 1360 with glutamine.
Molecular consequence: missense variant.
Genome position (GRCh38, 1-based): chr2:71,611,484, G>A. VCF-style: chr2-71611484-G-A. GRCh37 (hg19) VCF-style: chr2-71838614-G-A.
Other names: c.4028G>A, p.Arg1343Gln (NM_001130455.2, NM_001130983.2); c.3983G>A, p.Arg1328Gln (NM_001130976.2, NM_001130977.2); c.4025G>A, p.Arg1342Gln (NM_001130978.2, NM_003494.4); c.4118G>A, p.Arg1373Gln (NM_001130979.2); c.4076G>A, p.Arg1359Gln (NM_001130980.2, NM_001130981.2); c.4121G>A, p.Arg1374Gln (NM_001130982.2); c.3986G>A, p.Arg1329Gln (NM_001130984.2, NM_001130986.2); c.4079G>A, p.Arg1360Gln (NM_001130985.2); short protein forms R1342Q, R1360Q, R1328Q, R1359Q, R1343Q, R1374Q, R1329Q, R1373Q.
Identifiers: ClinVar variation 290670 (VCV000290670.19), dbSNP rs747583441, ClinGen allele CA1706890.

ClinVar aggregate classification (germline): Conflicting classifications of pathogenicity. Review status: criteria provided, conflicting classifications (1 of 4 stars). 6 submissions from 6 submitters: Likely pathogenic (2); Uncertain significance (4). Last evaluated 2026-03-27.

Conditions:
Neuromuscular disease caused by qualitative or quantitative defects of dysferlin. Also called: Qualitative or quantitative defects of dysferlin; Dysferlinopathy. Identifiers: Orphanet 207073, MedGen C2931687, MONDO:0016145.
Inborn genetic diseases. Identifiers: MedGen C0950123, MeSH D030342.

Allele frequency attached by ClinVar (database versions not stated): gnomAD exomes 0.00002; gnomAD 0.00003; TOPMed 0.00003; ExAC 0.00002.
gnomAD v4.1: 39 of 1,613,996 alleles (0.0024%); highest among the groups gnomAD compares: South Asian, 0.0066%; no homozygotes.

Submissions (6):

GeneDx
Classification: Likely pathogenic. Last evaluated: 2026-03-27. Review status: criteria provided, single submitter. Criteria: GeneDx Variant Classification Process June 2021. Collection method: clinical testing. Allele origin: germline.
Comment: Has not been previously published as pathogenic or benign to our knowledge; Not observed at significant frequency in large population cohorts (gnomAD); In silico analysis supports that this missense variant has a deleterious effect on protein structure/function; This variant is associated with the following publications: (PMID: 24438169)

Labcorp Genetics (formerly Invitae), Labcorp
Classification: Likely pathogenic for Neuromuscular disease caused by qualitative or quantitative defects of dysferlin. Last evaluated: 2026-01-19. Review status: criteria provided, single submitter. Criteria: Invitae Variant Classification Sherloc (09022015). Collection method: clinical testing. Allele origin: germline.
Comment: This sequence change replaces arginine, which is basic and polar, with glutamine, which is neutral and polar, at codon 1342 of the DYSF protein (p.Arg1342Gln). This variant is present in population databases (rs747583441, gnomAD 0.003%). This variant has not been reported in the literature in individuals affected with DYSF-related conditions. ClinVar contains an entry for this variant (Variation ID: 290670). Invitae Evidence Modeling of protein sequence and biophysical properties (such as structural, functional, and spatial information, amino acid conservation, physicochemical variation, residue mobility, and thermodynamic stability) indicates that this missense variant is expected to disrupt DYSF protein function with a positive predictive value of 95%. This variant disrupts the p.Arg1342 amino acid residue in DYSF. Other variant(s) that disrupt this residue have been determined to be pathogenic (PMID: 21522182). This suggests that this residue is clinically significant, and that variants that disrupt this residue are likely to be disease-causing. In summary, the currently available evidence indicates that the variant is pathogenic, but additional data are needed to prove that conclusively. Therefore, this variant has been classified as Likely Pathogenic.

Revvity Omics, Revvity
Classification: Uncertain significance. Last evaluated: 2023-12-28. Review status: criteria provided, single submitter. Criteria: ACMG Guidelines, 2015. Collection method: clinical testing. Allele origin: germline.

Ambry Genetics
Classification: Uncertain significance for Inborn genetic diseases. Last evaluated: 2023-08-21. Review status: criteria provided, single submitter. Criteria: Ambry Variant Classification Scheme 2023. Collection method: clinical testing. Allele origin: germline.

Illumina Laboratory Services, Illumina
Classification: Uncertain significance for Qualitative or quantitative defects of dysferlin. Last evaluated: 2018-01-13. Review status: criteria provided, single submitter. Criteria: ICSL Variant Classification Criteria 13 December 2019. Collection method: clinical testing. Allele origin: germline.

Eurofins Ntd Llc (ga)
Classification: Uncertain significance. Last evaluated: 2016-09-13. Review status: criteria provided, single submitter. Criteria: EGL Classification Definitions 2015. Collection method: clinical testing. Allele origin: germline. Observed: 1 variant allele, 1 heterozygote.

Literature cited by the submitters: PubMed 21522182 (cited by Labcorp Genetics (formerly Invitae), Labcorp).